The following is an entry in ClinVar:

NM_001134363.3(RBM20):c.956G>A (p.Trp319Ter)

Gene: RBM20 (RNA binding motif protein 20; plus strand). Cytogenetic location: 10q25.2.
Variant type: single nucleotide variant.
Coding change: c.956G>A on transcript NM_001134363.3 (MANE Select); coding-DNA position 956, G replaced by A.
Protein change: p.Trp319Ter; replaces tryptophan 319 with a stop codon.
Molecular consequence: nonsense.
Genome position (GRCh38, 1-based): chr10:110,781,565, G>A. VCF-style: chr10-110781565-G-A. GRCh37 (hg19) VCF-style: chr10-112541323-G-A.
Other names: short protein forms W319*.
Identifiers: ClinVar variation 2743573 (VCV002743573.3), dbSNP rs2493412604, ClinGen allele CA378384900.

ClinVar aggregate classification (germline): Pathogenic (1 of 4 stars; one submission).

Conditions:
Dilated cardiomyopathy 1DD (CMD1DD). Identifiers: Orphanet 154, MedGen C2750995, MONDO:0013168, OMIM 613172.

Submission:

Labcorp Genetics (formerly Invitae), Labcorp
Classification: Pathogenic for Dilated cardiomyopathy 1DD. Last evaluated: 2025-11-21. Review status: criteria provided, single submitter. Criteria: Invitae Variant Classification Sherloc (09022015). Collection method: clinical testing. Allele origin: germline.
Comment: This sequence change creates a premature translational stop signal (p.Trp319*) in the RBM20 gene. It is expected to result in an absent or disrupted protein product. Loss-of-function variants in RBM20 are known to be pathogenic (PMID: 20590677, 22004663, 38288598, 38510713, 40339755). This variant is not present in population databases (gnomAD no frequency). This variant has not been reported in the literature in individuals affected with RBM20-related conditions. ClinVar contains an entry for this variant (Variation ID: 2743573). For these reasons, this variant has been classified as Pathogenic.

Literature cited by the submitters: PubMed 20590677; PubMed 22004663; PubMed 38288598; PubMed 38510713; PubMed 40339755.